The following is an entry in ClinVar:

NM_012062.5(DNM1L):c.1859G>C (p.Gly620Ala)

Gene: DNM1L (dynamin 1 like; plus strand). Cytogenetic location: 12p11.21.
Variant type: single nucleotide variant.
Coding change: c.1859G>C on transcript NM_012062.5 (MANE Select); coding-DNA position 1859, G replaced by C.
Protein change: p.Gly620Ala; replaces glycine 620 with alanine.
Molecular consequence: missense variant.
Genome position (GRCh38, 1-based): chr12:32,740,215, G>C. VCF-style: chr12-32740215-G-C. GRCh37 (hg19) VCF-style: chr12-32893149-G-C.
Other names: c.1826G>C, p.Gly609Ala (NM_001278463.2); c.1898G>C, p.Gly633Ala (NM_001278464.2); c.1865G>C, p.Gly622Ala (NM_001278465.2); c.1250G>C, p.Gly417Ala (NM_001278466.2); c.1787G>C, p.Gly596Ala (NM_001330380.2); c.1748G>C, p.Gly583Ala (NM_005690.5); c.1781G>C, p.Gly594Ala (NM_012063.4); short protein forms G622A, G596A, G417A, G594A, G633A, G583A, G609A, G620A.
Identifiers: ClinVar variation 2090930 (VCV002090930.4), dbSNP rs143592037, ClinGen allele CA235205794.
Genomic context (GRCh38, chr12:32,740,215, plus strand): 5'-AGTTATTAGCAGAAGAAAAATCAAAACCCATTCCAATTATGCCAGCCAGTCCACAAAAAG[G>C]TCATGCCGTGAACCTGCTAGATGTGGTAAGCCATGACAATTTGGTTTAGGTAATAAGGTA-3'
Protein context (NP_036192.2, residues 610-630): IPIMPASPQK[Gly620Ala]HAVNLLDVPV

ClinVar aggregate classification (germline): Uncertain significance (1 of 4 stars; one submission).

Allele frequency attached by ClinVar (database versions not stated): gnomAD 0.00001; TOPMed 0.00001; ESP Exome Variant Server 0.00008.
gnomAD v4.1: 2 of 1,613,986 alleles (0.00012%); highest among the groups gnomAD compares: Non-Finnish European, 0.00017%; no homozygotes.

Submission:

Labcorp Genetics (formerly Invitae), Labcorp
Classification: Uncertain significance. Last evaluated: 2022-01-28. Review status: criteria provided, single submitter. Criteria: Invitae Variant Classification Sherloc (09022015). Collection method: clinical testing. Allele origin: germline.
Comment: This variant has not been reported in the literature in individuals affected with DNM1L-related conditions. In summary, the available evidence is currently insufficient to determine the role of this variant in disease. Therefore, it has been classified as a Variant of Uncertain Significance. Algorithms developed to predict the effect of missense changes on protein structure and function (SIFT, PolyPhen-2, Align-GVGD) all suggest that this variant is likely to be tolerated. This variant is not present in population databases (gnomAD no frequency). This sequence change replaces glycine, which is neutral and non-polar, with alanine, which is neutral and non-polar, at codon 620 of the DNM1L protein (p.Gly620Ala).